The following is an entry in ClinVar:

NM_033310.3(KCNK4):c.431C>G (p.Ser144Cys)

Genes: KCNK4 (potassium two pore domain channel subfamily K member 4; plus strand), KCNK4-CATSPERZ (KCNK4-CATSPERZ readthrough (NMD candidate); plus strand). Cytogenetic location: 11q13.1.
Variant type: single nucleotide variant.
Coding change: c.431C>G on transcript NM_033310.3 (MANE Select); coding-DNA position 431, C replaced by G.
Protein change: p.Ser144Cys; replaces serine 144 with cysteine.
Molecular consequence: missense variant. On other transcripts: non-coding transcript variant (3).
Genome position (GRCh38, 1-based): chr11:64,297,236, C>G. VCF-style: chr11-64297236-C-G. GRCh37 (hg19) VCF-style: chr11-64064708-C-G.
Other names: c.431C>G, p.Ser144Cys (NM_001317090.2); short protein forms S144C.
Identifiers: ClinVar variation 3378221 (VCV003378221.1).
Genomic context (GRCh38, chr11:64,297,236, plus strand): 5'-CGCTGGTGGGGATTCCGCTGTTTGGGATCCTACTGGCAGGGGTCGGGGACCGGCTGGGCT[C>G]CTCCCTGCGCCATGGCATCGGTCACATTGAAGCCATCTTCTTGGTGAGCTGCTCCATGCC-3'
Protein context (NP_201567.1, residues 134-154): LLAGVGDRLG[Ser144Cys]SLRHGIGHIE

ClinVar aggregate classification (germline): Uncertain significance (1 of 4 stars; one submission).

Submission:

GeneDx
Classification: Uncertain significance. Last evaluated: 2024-05-13. Review status: criteria provided, single submitter. Criteria: GeneDx Variant Classification Process June 2021. Collection method: clinical testing. Allele origin: germline. Affected: yes.
Comment: Not observed at significant frequency in large population cohorts (gnomAD); In silico analysis supports that this missense variant has a deleterious effect on protein structure/function; Has not been previously published as pathogenic or benign to our knowledge